The following is an entry in ClinVar:

ClinVar aggregate classification (germline): Pathogenic. Review status: criteria provided, single submitter (1 of 4 stars). 2 submissions from 2 submitters: Pathogenic (1). 1 of the submissions does not count toward it. Last evaluated 2023-04-23.

Conditions:
Primary ciliary dyskinesia. Also called: Ciliary dyskinesia. Identifiers: Orphanet 244, MedGen C0008780, MONDO:0016575, HP:0012265.
Kartagener syndrome (CILD1). Also called: CILIARY DYSKINESIA, PRIMARY, 1; Dextrocardia bronchiectasis and sinusitis; SIEWERT SYNDROME; CILIARY DYSKINESIA, PRIMARY, 1, WITH OR WITHOUT SITUS INVERSUS; IMMOTILE CILIA SYNDROME; POLYNESIAN BRONCHIECTASIS. Identifiers: Orphanet 244, MedGen C4551906, MONDO:0009484, OMIM 244400.

Submissions (2):

Labcorp Genetics (formerly Invitae), Labcorp
Classification: Pathogenic for Primary ciliary dyskinesia. Last evaluated: 2023-04-23. Review status: criteria provided, single submitter. Criteria: Invitae Variant Classification Sherloc (09022015). Collection method: clinical testing. Allele origin: germline.
Comment: This variant disrupts a region of the DNAI1 protein in which other variant(s) (p.Ile643Profs*48) have been determined to be pathogenic (PMID: 16858015). This suggests that this is a clinically significant region of the protein, and that variants that disrupt it are likely to be disease-causing. For these reasons, this variant has been classified as Pathogenic. ClinVar contains an entry for this variant (Variation ID: 1343809). This premature translational stop signal has been observed in individual(s) with primary ciliary dyskinesia (PMID: 33447612). This variant is present in population databases (no rsID available, gnomAD 0.003%). This sequence change creates a premature translational stop signal (p.Pro624Leufs*66) in the DNAI1 gene. While this is not anticipated to result in nonsense mediated decay, it is expected to disrupt the last 76 amino acid(s) of the DNAI1 protein.

Department of Medical Genetics, Tarbiat Modares University
Classification: Likely pathogenic for Kartagener syndrome. Review status: no assertion criteria provided. Collection method: clinical testing. Allele origin: germline. Affected: yes. Not counted in ClinVar's aggregate classification.

Literature cited by the submitters: PubMed 16858015 (cited by Labcorp Genetics (formerly Invitae), Labcorp); PubMed 33447612 (cited by Labcorp Genetics (formerly Invitae), Labcorp).

NM_012144.4(DNAI1):c.1871del (p.Pro624fs)

Gene: DNAI1 (dynein axonemal intermediate chain 1; plus strand). Cytogenetic location: 9p13.3.
Variant type: Deletion.
Coding change: c.1871del on transcript NM_012144.4 (MANE Select); coding-DNA position 1871, one base deleted (C; older notation c.1871delC).
Protein change: p.Pro624fs; shifts the reading frame from proline 624.
Molecular consequence: frameshift variant.
Genome position (GRCh38, 1-based): chr9:34,517,337, C deleted; the last of 2 consecutive C bases (chr9:34,517,336-34,517,337); deleting either gives the same sequence. VCF-style (leftmost placement, unchanged base first): chr9-34517335-GC-G. GRCh37 (hg19) VCF-style: chr9-34517333-GC-G.
Other names: c.1883del, p.Pro628fs (NM_001281428.2); short protein forms P624fs, P628fs.
Identifiers: ClinVar variation 1343809 (VCV001343809.32), dbSNP rs1168493593, ClinGen allele CA587567973.